The following is an entry in ClinVar:

ClinVar aggregate classification (germline): Likely benign. Review status: criteria provided, single submitter (1 of 4 stars). 2 submissions from 2 submitters: Likely benign (1). 1 of the submissions does not count toward it. Last evaluated 2024-11-12.

Conditions:
MRAP2-related disorder. Also called: MRAP2-related condition.

Allele frequency attached by ClinVar (database versions not stated): TOPMed 0.00002; gnomAD 0.00005; gnomAD exomes 0.00006; ExAC 0.00015.
gnomAD v4.1: 89 of 1,614,028 alleles (0.0055%); highest among the groups gnomAD compares: South Asian, 0.098%; 1 homozygote.

Submissions (2):

Labcorp Genetics (formerly Invitae), Labcorp
Classification: Likely benign. Last evaluated: 2024-11-12. Review status: criteria provided, single submitter. Criteria: Invitae Variant Classification Sherloc (09022015). Collection method: clinical testing. Allele origin: germline.

PreventionGenetics, part of Exact Sciences
Classification: Likely benign for MRAP2-related condition. Last evaluated: 2024-09-02. Review status: no assertion criteria provided. Collection method: clinical testing. Allele origin: germline. Not counted in ClinVar's aggregate classification.
Comment: This variant is classified as likely benign based on ACMG/AMP sequence variant interpretation guidelines (Richards et al. 2015 PMID: 25741868, with internal and published modifications).

NM_138409.4(MRAP2):c.128-5T>G

Gene: MRAP2 (melanocortin 2 receptor accessory protein 2; plus strand). Cytogenetic location: 6q14.2.
Variant type: single nucleotide variant.
Coding change: c.128-5T>G on transcript NM_138409.4 (MANE Select); 5 bases into the intron before coding-DNA position 128, T replaced by G.
Molecular consequence: intron variant.
Genome position (GRCh38, 1-based): chr6:84,062,888, T>G. VCF-style: chr6-84062888-T-G. GRCh37 (hg19) VCF-style: chr6-84772607-T-G.
Other names: c.128-5T>G (NM_001346542.2, NM_001346544.2); c.-132-5T>G (NM_001346543.2); c.-32+7443T>G (NM_001346541.2).
Identifiers: ClinVar variation 3051015 (VCV003051015.4), dbSNP rs773289068, ClinGen allele CA3909582.